The following is an entry in ClinVar:

NM_000263.4(NAGLU):c.979C>T (p.Leu327Phe)

Gene: NAGLU (N-acetyl-alpha-glucosaminidase; plus strand). Cytogenetic location: 17q21.2.
Variant type: single nucleotide variant.
Coding change: c.979C>T on transcript NM_000263.4 (MANE Select); coding-DNA position 979, C replaced by T.
Protein change: p.Leu327Phe; replaces leucine 327 with phenylalanine.
Molecular consequence: missense variant.
Genome position (GRCh38, 1-based): chr17:42,541,164, C>T. VCF-style: chr17-42541164-C-T. GRCh37 (hg19) VCF-style: chr17-40693182-C-T.
Other names: short protein forms L327F.
Identifiers: ClinVar variation 2169595 (VCV002169595.4), dbSNP rs776750536, ClinGen allele CA8576907.

ClinVar aggregate classification (germline): Uncertain significance (1 of 4 stars; one submission).

Conditions:
Charcot-Marie-Tooth disease axonal type 2V. Also called: CHARCOT-MARIE-TOOTH NEUROPATHY, TYPE 2V; CHARCOT-MARIE-TOOTH DISEASE, AXONAL, AUTOSOMAL DOMINANT, TYPE 2V. Identifiers: Orphanet 447964, MedGen C5569050, MONDO:0014665, OMIM 616491.
Mucopolysaccharidosis, MPS-III-B (MPS3B). Also called: N-ACETYL-ALPHA-D-GLUCOSAMINIDASE DEFICIENCY; NAGLU DEFICIENCY; SANFILIPPO SYNDROME B; MPS III B; MUCOPOLYSACCHARIDOSIS, TYPE IIIB; MPS IIIB (Sanfilippo Syndrome Type B). Identifiers: Orphanet 79270, MedGen C0086648, MONDO:0009656, OMIM 252920.

Allele frequency attached by ClinVar (database versions not stated): gnomAD exomes below 0.00001; ExAC 0.00001.
gnomAD v4.1: 1 of 1,613,668 alleles (0.000062%); highest among the groups gnomAD compares: Non-Finnish European, 0.000085%; no homozygotes.

Submission:

Labcorp Genetics (formerly Invitae), Labcorp
Classification: Uncertain significance for Charcot-Marie-Tooth disease axonal type 2V; Mucopolysaccharidosis, MPS-III-B. Last evaluated: 2024-02-26. Review status: criteria provided, single submitter. Criteria: Invitae Variant Classification Sherloc (09022015). Collection method: clinical testing. Allele origin: germline.
Comment: This sequence change replaces leucine, which is neutral and non-polar, with phenylalanine, which is neutral and non-polar, at codon 327 of the NAGLU protein (p.Leu327Phe). This variant is present in population databases (rs776750536, gnomAD 0.0009%). This variant has not been reported in the literature in individuals affected with NAGLU-related conditions. ClinVar contains an entry for this variant (Variation ID: 2169595). Advanced modeling of protein sequence and biophysical properties (such as structural, functional, and spatial information, amino acid conservation, physicochemical variation, residue mobility, and thermodynamic stability) performed at Invitae indicates that this missense variant is expected to disrupt NAGLU protein function with a positive predictive value of 95%. Experimental studies have shown that this missense change affects NAGLU function (PMID: 29979746). In summary, the available evidence is currently insufficient to determine the role of this variant in disease. Therefore, it has been classified as a Variant of Uncertain Significance.

Literature cited by the submitters: PubMed 29979746.